The following is an entry in ClinVar:

NM_002742.3(PRKD1):c.267C>A (p.Phe89Leu)

Gene: PRKD1 (protein kinase D1; minus strand). Cytogenetic location: 14q12.
Variant type: single nucleotide variant.
Coding change: c.267C>A on transcript NM_002742.3 (MANE Select); coding-DNA position 267, C replaced by A.
Protein change: p.Phe89Leu; replaces phenylalanine 89 with leucine.
Molecular consequence: missense variant. On other transcripts: 5 prime UTR variant (1).
Genome position (GRCh38, 1-based): chr14:29,725,672, G>T on the plus strand (C>A on the coding strand, the complement: PRKD1 is on the minus strand). VCF-style: chr14-29725672-G-T. GRCh37 (hg19) VCF-style: chr14-30194878-G-T.
Other names: c.267C>A, p.Phe89Leu (NM_001330069.2); c.-22C>A (NM_001348390.1); short protein forms F89L.
Identifiers: ClinVar variation 3364655 (VCV003364655.1).

ClinVar aggregate classification (germline): Uncertain significance (1 of 4 stars; one submission).

Submission:

GeneDx
Classification: Uncertain significance. Last evaluated: 2023-11-27. Review status: criteria provided, single submitter. Criteria: GeneDx Variant Classification Process June 2021. Collection method: clinical testing. Allele origin: germline. Affected: yes.
Comment: Not observed at significant frequency in large population cohorts (gnomAD); In silico analysis supports that this missense variant has a deleterious effect on protein structure/function; Has not been previously published as pathogenic or benign to our knowledge